The following is an entry in ClinVar:

NM_020831.6(MRTFA):c.2412G>T (p.Met804Ile)

Gene: MRTFA (myocardin related transcription factor A; minus strand). Cytogenetic location: 22q13.1.
Variant type: single nucleotide variant.
Coding change: c.2412G>T on transcript NM_020831.6 (MANE Select); coding-DNA position 2412, G replaced by T.
Protein change: p.Met804Ile; replaces methionine 804 with isoleucine.
Molecular consequence: missense variant.
Genome position (GRCh38, 1-based): chr22:40,417,446, C>A on the plus strand (G>T on the coding strand, the complement: MRTFA is on the minus strand). VCF-style: chr22-40417446-C-A. GRCh37 (hg19) VCF-style: chr22-40813450-C-A.
Other names: c.2112G>T (NM_020831.4, NM_020831.3); c.2112G>T, p.Met704Ile (NM_001282660.2); c.2262G>T, p.Met754Ile (NM_001282661.3); c.2412G>T, p.Met804Ile (NM_001282662.3); c.2217G>T, p.Met739Ile (NM_001318139.2); short protein forms M704I, M739I, M754I, M804I.
Identifiers: ClinVar variation 1682953 (VCV001682953.10), dbSNP rs758898285, ClinGen allele CA10249332.

ClinVar aggregate classification (germline): Uncertain significance. Review status: criteria provided, multiple submitters, no conflicts (2 of 4 stars). 3 submissions from 3 submitters: Uncertain significance (3). Last evaluated 2025-11-08.

Conditions:
MRTFA-related disorder. Also called: MRTFA-related condition.

Allele frequency attached by ClinVar (database versions not stated): gnomAD exomes 0.00002 and 0.00006; TOPMed 0.00002; ExAC 0.00010.
gnomAD v4.1: 15 of 1,603,778 alleles (0.00094%); highest among the groups gnomAD compares: Admixed American, 0.024%; no homozygotes.

Submissions (3):

Labcorp Genetics (formerly Invitae), Labcorp
Classification: Uncertain significance. Last evaluated: 2025-11-08. Review status: criteria provided, single submitter. Criteria: Invitae Variant Classification Sherloc (09022015). Collection method: clinical testing. Allele origin: germline.
Comment: This sequence change replaces methionine, which is neutral and non-polar, with isoleucine, which is neutral and non-polar, at codon 704 of the MKL1 protein (p.Met704Ile). This variant is present in population databases (rs758898285, gnomAD 0.04%). This variant has not been reported in the literature in individuals affected with MKL1-related conditions. ClinVar contains an entry for this variant (Variation ID: 1682953). An algorithm developed to predict the effect of missense changes on protein structure and function (PolyPhen-2) suggests that this variant is likely to be tolerated. In summary, the available evidence is currently insufficient to determine the role of this variant in disease. Therefore, it has been classified as a Variant of Uncertain Significance.

PreventionGenetics, part of Exact Sciences
Classification: Uncertain significance for MRTFA-related condition. Last evaluated: 2025-09-23. Review status: criteria provided, single submitter. Criteria: ACMG Guidelines, 2015. Collection method: clinical testing. Allele origin: germline.
Comment: The MRTFA c.2112G>T variant is predicted to result in the amino acid substitution p.Met704Ile. To our knowledge, this variant has not been reported in the literature. This variant is reported in 0.043% of alleles in individuals of Latino descent in gnomAD. At this time, the clinical significance of this variant is uncertain due to the absence of conclusive functional and genetic evidence.

Ambry Genetics
Classification: Uncertain significance. Last evaluated: 2024-08-20. Review status: criteria provided, single submitter. Criteria: Ambry Variant Classification Scheme 2023. Collection method: clinical testing. Allele origin: germline.